The following is an entry in ClinVar:

NM_006662.3(SRCAP):c.2131-8T>G

Gene: SRCAP (Snf2 related CREBBP activator protein; plus strand). Cytogenetic location: 16p11.2.
Variant type: single nucleotide variant.
Coding change: c.2131-8T>G on transcript NM_006662.3 (MANE Select); 8 bases into the intron before coding-DNA position 2131, T replaced by G.
Molecular consequence: intron variant.
Genome position (GRCh38, 1-based): chr16:30,713,200, T>G. VCF-style: chr16-30713200-T-G. GRCh37 (hg19) VCF-style: chr16-30724521-T-G.
Identifiers: ClinVar variation 2570938 (VCV002570938.27), dbSNP rs2506635345, ClinGen allele CA2580613460.

ClinVar aggregate classification (germline): Uncertain significance (1 of 4 stars; one submission).

Submission:

CeGaT Center for Human Genetics Tuebingen
Classification: Uncertain significance. Last evaluated: 2023-06-01. Review status: criteria provided, single submitter. Criteria: CeGaT Center For Human Genetics Tuebingen Variant Classification Criteria Version 2. Collection method: clinical testing. Allele origin: germline. Affected: yes. Observed: 1 variant allele.
Comment: SRCAP: PM2, PM4:Supporting, PS2:Supporting